The following is an entry in ClinVar:

ClinVar aggregate classification (germline): Uncertain significance. Review status: criteria provided, multiple submitters, no conflicts (2 of 4 stars). 2 submissions from 2 submitters: Uncertain significance (2). Last evaluated 2026-05-06.

Conditions:
KAT6A-related disorder. Also called: KAT6A-related condition.

gnomAD v4.1: 1 of 1,614,094 alleles (0.000062%); no homozygotes.

Submissions (2):

PreventionGenetics, part of Exact Sciences
Classification: Uncertain significance for KAT6A-related condition. Last evaluated: 2026-05-06. Review status: criteria provided, single submitter. Criteria: ACMG Guidelines, 2015. Collection method: clinical testing. Allele origin: germline.
Comment: The KAT6A c.4411G>A variant is predicted to result in the amino acid substitution p.Val1471Ile. To our knowledge, this variant has not been reported in the literature or in a large population database (gnomAD), indicating this variant is rare. At this time, the clinical significance of this variant is uncertain due to the absence of conclusive functional and genetic evidence.

Labcorp Genetics (formerly Invitae), Labcorp
Classification: Uncertain significance. Last evaluated: 2024-12-19. Review status: criteria provided, single submitter. Criteria: Invitae Variant Classification Sherloc (09022015). Collection method: clinical testing. Allele origin: germline.
Comment: This sequence change replaces valine, which is neutral and non-polar, with isoleucine, which is neutral and non-polar, at codon 1471 of the KAT6A protein (p.Val1471Ile). This variant is not present in population databases (gnomAD no frequency). This variant has not been reported in the literature in individuals affected with KAT6A-related conditions. Invitae Evidence Modeling of protein sequence and biophysical properties (such as structural, functional, and spatial information, amino acid conservation, physicochemical variation, residue mobility, and thermodynamic stability) indicates that this missense variant is not expected to disrupt KAT6A protein function with a negative predictive value of 95%. In summary, the available evidence is currently insufficient to determine the role of this variant in disease. Therefore, it has been classified as a Variant of Uncertain Significance.

NM_006766.5(KAT6A):c.4411G>A (p.Val1471Ile)

Gene: KAT6A (lysine acetyltransferase 6A; minus strand). Cytogenetic location: 8p11.21.
Variant type: single nucleotide variant.
Coding change: c.4411G>A on transcript NM_006766.5 (MANE Select); coding-DNA position 4411, G replaced by A.
Protein change: p.Val1471Ile; replaces valine 1471 with isoleucine.
Molecular consequence: missense variant.
Genome position (GRCh38, 1-based): chr8:41,933,809, C>T on the plus strand (G>A on the coding strand, the complement: KAT6A is on the minus strand). VCF-style: chr8-41933809-C-T. GRCh37 (hg19) VCF-style: chr8-41791327-C-T.
Other names: c.4411G>A (NM_006766.4); short protein forms V1471I.
Identifiers: ClinVar variation 3701572 (VCV003701572.3).